The following is an entry in ClinVar:

ClinVar aggregate classification (germline): Conflicting classifications of pathogenicity. Review status: criteria provided, conflicting classifications (1 of 4 stars). 3 submissions from 3 submitters: Uncertain significance (2); Benign (1). Last evaluated 2024-12-30.

Conditions:
Mowat-Wilson syndrome (MOWS). Also called: Classic Mowat-Wilson Syndrome. Identifiers: Orphanet 2152, MedGen C1856113, MONDO:0009341, OMIM 235730.
Inborn genetic diseases. Identifiers: MedGen C0950123, MeSH D030342.

Submissions (3):

Ambry Genetics
Classification: Uncertain significance for Inborn genetic diseases. Last evaluated: 2024-12-30. Review status: criteria provided, single submitter. Criteria: Ambry Variant Classification Scheme 2023. Collection method: clinical testing. Allele origin: germline.

Labcorp Genetics (formerly Invitae), Labcorp
Classification: Benign for Mowat-Wilson syndrome. Last evaluated: 2024-01-22. Review status: criteria provided, single submitter. Criteria: Invitae Variant Classification Sherloc (09022015). Collection method: clinical testing. Allele origin: germline.

GeneDx
Classification: Uncertain significance. Last evaluated: 2019-11-01. Review status: criteria provided, single submitter. Criteria: GeneDx Variant Classification Process June 2021. Collection method: clinical testing. Allele origin: germline. Affected: yes.
Comment: In silico analysis, which includes protein predictors and evolutionary conservation, supports that this variant does not alter protein structure/function; Has not been previously published as pathogenic or benign to our knowledge

NM_014795.4(ZEB2):c.1534G>T (p.Gly512Cys)

Gene: ZEB2 (zinc finger E-box binding homeobox 2; minus strand). Cytogenetic location: 2q22.3.
Variant type: single nucleotide variant.
Coding change: c.1534G>T on transcript NM_014795.4 (MANE Select); coding-DNA position 1534, G replaced by T.
Protein change: p.Gly512Cys; replaces glycine 512 with cysteine.
Molecular consequence: missense variant.
Genome position (GRCh38, 1-based): chr2:144,399,653, C>A on the plus strand (G>T on the coding strand, the complement: ZEB2 is on the minus strand). VCF-style: chr2-144399653-C-A. GRCh37 (hg19) VCF-style: chr2-145157220-C-A.
Other names: c.1462G>T, p.Gly488Cys (NM_001171653.2); short protein forms G488C, G512C.
Identifiers: ClinVar variation 1309848 (VCV001309848.6), dbSNP rs141781307, ClinGen allele CA348711139.